The following is an entry in ClinVar:

ClinVar aggregate classification (germline): Uncertain significance. Review status: criteria provided, multiple submitters, no conflicts (2 of 4 stars). 5 submissions from 5 submitters: Uncertain significance (5). Last evaluated 2025-07-03.

Conditions:
Imerslund-Grasbeck syndrome. Also called: PERNICIOUS ANEMIA, JUVENILE, DUE TO SELECTIVE INTESTINAL MALABSORPTION OF VITAMIN B12, WITH PROTEINURIA; Megaloblastic anemia due to inborn errors of metabolism; ENTEROCYTE COBALAMIN MALABSORPTION; ENTEROCYTE INTRINSIC FACTOR RECEPTOR, DEFECT OF; Imerslund-Gräsbeck syndrome. Identifiers: Orphanet 35858, MedGen C4551825, MONDO:0009853.
Imerslund-Grasbeck syndrome type 1 (IGS1). Also called: Megaloblastic anemia 1, Finnish type; MEGALOBLASTIC ANEMIA, 1; Imerslund-Gräsbeck syndrome 1. Identifiers: MedGen C4016819, MONDO:0100156, OMIM 261100.
Proteinuria, chronic benign. Identifiers: MedGen C5394384, MONDO:0030042, OMIM 618884.

Allele frequency attached by ClinVar (database versions not stated): TOPMed 0.00007; ESP Exome Variant Server 0.00008; gnomAD 0.00008; gnomAD exomes 0.00012; 1000 Genomes Project 0.00020; ExAC 0.00028; 1000 Genomes Project 30x 0.00031.
gnomAD v4.1: 186 of 1,613,930 alleles (0.012%); highest among the groups gnomAD compares: Middle Eastern, 0.016%; no homozygotes.

Submissions (5):

GeneDx
Classification: Uncertain significance. Last evaluated: 2025-07-03. Review status: criteria provided, single submitter. Criteria: GeneDx Variant Classification Process June 2021. Collection method: clinical testing. Allele origin: germline. Affected: yes.
Comment: In silico analysis suggests that this missense variant does not alter protein structure/function; Reported in an individual with hereditary diffuse gastric cancer in published literature (PMID: 36484990); This variant is associated with the following publications: (PMID: 36484990)

Labcorp Genetics (formerly Invitae), Labcorp
Classification: Uncertain significance for Imerslund-Grasbeck syndrome. Last evaluated: 2025-01-30. Review status: criteria provided, single submitter. Criteria: Invitae Variant Classification Sherloc (09022015). Collection method: clinical testing. Allele origin: germline.
Comment: This sequence change replaces arginine, which is basic and polar, with histidine, which is basic and polar, at codon 1921 of the CUBN protein (p.Arg1921His). This variant is present in population databases (rs192022688, gnomAD 0.07%). This variant has not been reported in the literature in individuals affected with CUBN-related conditions. ClinVar contains an entry for this variant (Variation ID: 2440615). Invitae Evidence Modeling of protein sequence and biophysical properties (such as structural, functional, and spatial information, amino acid conservation, physicochemical variation, residue mobility, and thermodynamic stability) indicates that this missense variant is not expected to disrupt CUBN protein function with a negative predictive value of 80%. In summary, the available evidence is currently insufficient to determine the role of this variant in disease. Therefore, it has been classified as a Variant of Uncertain Significance.

Blueprint Genetics
Classification: Uncertain significance. Last evaluated: 2024-08-14. Review status: criteria provided, single submitter. Criteria: ACMG Guidelines, 2015. Collection method: clinical testing. Allele origin: germline.

Fulgent Genetics
Classification: Uncertain significance for Imerslund-Grasbeck syndrome type 1; Proteinuria, chronic benign. Last evaluated: 2024-01-29. Review status: criteria provided, single submitter. Criteria: ACMG Guidelines, 2015. Collection method: clinical testing. Allele origin: germline.

Revvity Omics, Revvity
Classification: Uncertain significance. Last evaluated: 2021-11-28. Review status: criteria provided, single submitter. Criteria: ACMG Guidelines, 2015. Collection method: clinical testing. Allele origin: germline.

NM_001081.4(CUBN):c.5762G>A (p.Arg1921His)

Gene: CUBN (cubilin; minus strand). Cytogenetic location: 10p13.
Variant type: single nucleotide variant.
Coding change: c.5762G>A on transcript NM_001081.4 (MANE Select); coding-DNA position 5762, G replaced by A.
Protein change: p.Arg1921His; replaces arginine 1921 with histidine.
Molecular consequence: missense variant.
Genome position (GRCh38, 1-based): chr10:16,937,756, C>T on the plus strand (G>A on the coding strand, the complement: CUBN is on the minus strand). VCF-style: chr10-16937756-C-T. GRCh37 (hg19) VCF-style: chr10-16979755-C-T.
Other names: short protein forms R1921H.
Identifiers: ClinVar variation 2440615 (VCV002440615.9), dbSNP rs192022688, ClinGen allele CA5423912.